The following is an entry in ClinVar:

ClinVar aggregate classification (germline): Benign. Review status: criteria provided, multiple submitters, no conflicts (2 of 4 stars). 2 submissions from 2 submitters: Benign (2). Last evaluated 2025-10-01.

Conditions:
Hyperlipoproteinemia, type I. Also called: Familial hyperlipo-proteinemia type 1; Hyperlipemia essential familial; Lipoprotein Lipase Deficiency; HYPERLIPOPROTEINEMIA, TYPE IA; LPL DEFICIENCY; Lipase D deficiency. Identifiers: Orphanet 309015, Orphanet 444490, MedGen C0023817, MONDO:0009387, OMIM 238600. Disease mechanism: loss of function.

Allele frequency attached by ClinVar (database versions not stated): gnomAD exomes 0.00068 and 0.00129; ExAC 0.00161; gnomAD 0.00472 and 0.00511; 1000 Genomes Project 30x 0.00500; ESP Exome Variant Server 0.00538; 1000 Genomes Project 0.00539; TOPMed 0.00551.
gnomAD v4.1: 1,162 of 780,456 alleles (0.15%); highest among the groups gnomAD compares: African/African-American, 1.6%; 13 homozygotes.

Submissions (2):

CeGaT Center for Human Genetics Tuebingen
Classification: Benign. Last evaluated: 2025-10-01. Review status: criteria provided, single submitter. Criteria: CeGaT Center For Human Genetics Tuebingen Variant Classification Criteria Version 2. Collection method: clinical testing. Allele origin: germline. Affected: yes. Observed: 1 variant allele.
Comment: LPL: BS1, BS2

Illumina Laboratory Services, Illumina
Classification: Benign for Hyperlipoproteinemia, type I. Last evaluated: 2018-01-12. Review status: criteria provided, single submitter. Criteria: ICSL Variant Classification Criteria 13 December 2019. Collection method: clinical testing. Allele origin: germline.
Comment: This variant was observed in the ICSL laboratory as part of a predisposition screen in an ostensibly healthy population. It had not been previously curated by ICSL or reported in the Human Gene Mutation Database (HGMD: prior to June 1st, 2018), and was therefore a candidate for classification through an automated scoring system. Utilizing variant allele frequency, disease prevalence and penetrance estimates, and inheritance mode, an automated score was calculated to assess if this variant is too frequent to cause the disease. Based on the score and internal cut-off values, a variant classified as benign is not then subjected to further curation. The score for this variant resulted in a classification of benign for this disease.

NM_000237.3(LPL):c.*29G>A

Gene: LPL (lipoprotein lipase; plus strand). Cytogenetic location: 8p21.3.
Variant type: single nucleotide variant.
Coding change: c.*29G>A on transcript NM_000237.3 (MANE Select); 29 bases downstream of the stop codon, G replaced by A.
Molecular consequence: 3 prime UTR variant.
Genome position (GRCh38, 1-based): chr8:19,965,339, G>A. VCF-style: chr8-19965339-G-A. GRCh37 (hg19) VCF-style: chr8-19822850-G-A.
Identifiers: ClinVar variation 908697 (VCV000908697.10), dbSNP rs7818177, ClinGen allele CA4655771.